The following is an entry in ClinVar:

ClinVar aggregate classification (germline): Likely pathogenic (1 of 4 stars; one submission).

Conditions:
Ataxia-telangiectasia-like disorder (ATLD). Identifiers: MedGen C1858391, MONDO:0011457.

Submission:

Labcorp Genetics (formerly Invitae), Labcorp
Classification: Likely pathogenic for Ataxia-telangiectasia-like disorder. Last evaluated: 2021-09-22. Review status: criteria provided, single submitter. Criteria: Invitae Variant Classification Sherloc (09022015). Collection method: clinical testing. Allele origin: germline.
Comment: This variant results in a copy number gain of the genomic region encompassing exons 5-12 of the MRE11 gene. While the exact position of this variant cannot be determined from this data, sub-genic copy number gains are generally in tandem (PMID: 25640679) and may result in an absent or disrupted protein product. This variant has not been reported in the literature in individuals with MRE11-related disease. Loss-of-function variants in MRE11 are known to be pathogenic (PMID: 23080121, 23912341). In summary, the currently available evidence indicates that the variant is pathogenic, but additional data are needed to prove that conclusively. Therefore, this variant has been classified as Likely Pathogenic.

Literature cited by the submitters: PubMed 25640679; PubMed 23080121; PubMed 23912341.

NC_000011.9:g.(?_94194092)_(94212937_?)dup

Genes: MIR548L (microRNA 548l; minus strand), MRE11 (MRE11 homolog, double strand break repair nuclease; minus strand). Cytogenetic location: 11q21.
Variant type: Duplication.
Identifiers: ClinVar variation 658977 (VCV000658977.5).